The following is an entry in ClinVar:

ClinVar aggregate classification (germline): Uncertain significance. Review status: criteria provided, multiple submitters, no conflicts (2 of 4 stars). 2 submissions from 2 submitters: Uncertain significance (2). Last evaluated 2024-12-05.

Conditions:
Inborn genetic diseases. Identifiers: MedGen C0950123, MeSH D030342.
Mitochondrial DNA depletion syndrome, encephalomyopathic form with methylmalonic aciduria (MTDPS5). Also called: Mitochondrial encephalomyopathy aminoacidopathy; MITOCHONDRIAL DNA DEPLETION SYNDROME, ENCEPHALOMYOPATHIC FORM, WITH OR WITHOUT METHYLMALONIC ACIDURIA, AUTOSOMAL RECESSIVE, SUCLA2-RELATED; Mitochondrial DNA depletion syndrome 5 (encephalomyopathic with or without methylmalonic aciduria); SUCLA2-Related Mitochondrial DNA Depletion Syndrome, Encephalomyopathic Form with Methylmalonic Aciduria. Identifiers: Orphanet 1933, MedGen C5980207, MONDO:0012791, OMIM 612073.

Allele frequency attached by ClinVar (database versions not stated): ExAC 0.00001; TOPMed 0.00002.
gnomAD v4.1: 11 of 1,613,892 alleles (0.00068%); highest among the groups gnomAD compares: Admixed American, 0.015%; no homozygotes.

Submissions (2):

Ambry Genetics
Classification: Uncertain significance for Inborn genetic diseases. Last evaluated: 2024-12-05. Review status: criteria provided, single submitter. Criteria: Ambry Variant Classification Scheme 2023. Collection method: clinical testing. Allele origin: germline.

Labcorp Genetics (formerly Invitae), Labcorp
Classification: Uncertain significance for Mitochondrial DNA depletion syndrome, encephalomyopathic form with methylmalonic aciduria. Last evaluated: 2023-08-16. Review status: criteria provided, single submitter. Criteria: Invitae Variant Classification Sherloc (09022015). Collection method: clinical testing. Allele origin: germline.
Comment: In summary, the available evidence is currently insufficient to determine the role of this variant in disease. Therefore, it has been classified as a Variant of Uncertain Significance. Advanced modeling of protein sequence and biophysical properties (such as structural, functional, and spatial information, amino acid conservation, physicochemical variation, residue mobility, and thermodynamic stability) has been performed at Invitae for this missense variant, however the output from this modeling did not meet the statistical confidence thresholds required to predict the impact of this variant on SUCLA2 protein function. ClinVar contains an entry for this variant (Variation ID: 1991719). This variant has not been reported in the literature in individuals affected with SUCLA2-related conditions. This variant is present in population databases (rs771599779, gnomAD 0.02%). This sequence change replaces valine, which is neutral and non-polar, with phenylalanine, which is neutral and non-polar, at codon 69 of the SUCLA2 protein (p.Val69Phe).

NM_003850.3(SUCLA2):c.205G>T (p.Val69Phe)

Gene: SUCLA2 (succinate-CoA ligase ADP-forming subunit beta; minus strand). Cytogenetic location: 13q14.2.
Variant type: single nucleotide variant.
Coding change: c.205G>T on transcript NM_003850.3 (MANE Select); coding-DNA position 205, G replaced by T.
Protein change: p.Val69Phe; replaces valine 69 with phenylalanine.
Molecular consequence: missense variant.
Genome position (GRCh38, 1-based): chr13:47,996,909, C>A on the plus strand (G>T on the coding strand, the complement: SUCLA2 is on the minus strand). VCF-style: chr13-47996909-C-A. GRCh37 (hg19) VCF-style: chr13-48571044-C-A.
Other names: short protein forms V69F.
Identifiers: ClinVar variation 1991719 (VCV001991719.4), dbSNP rs771599779, ClinGen allele CA313036.
Genomic context (GRCh38, chr13:47,996,909, plus strand): 5'-TTTTGGCAATTGCATAAGCTTCATCTGGTGACTTTGCCACATATCCTTTGGGAACGGAGA[C>A]ACCAGCTTCTTGCAATAATTCCATACTCATGTATTCATGTAGTGAGAGATTCCTTTGCTG-3'
Protein context (NP_003841.1, residues 59-79): MSMELLQEAG[Val69Phe]SVPKGYVAKS